The following is an entry in ClinVar:

NM_001321120.2(TBX4):c.595G>A (p.Val199Ile)

Gene: TBX4 (T-box transcription factor 4; plus strand). Cytogenetic location: 17q23.2.
Variant type: single nucleotide variant.
Coding change: c.595G>A on transcript NM_001321120.2 (MANE Select); coding-DNA position 595, G replaced by A.
Protein change: p.Val199Ile; replaces valine 199 with isoleucine.
Molecular consequence: missense variant.
Genome position (GRCh38, 1-based): chr17:61,478,672, G>A. VCF-style: chr17-61478672-G-A. GRCh37 (hg19) VCF-style: chr17-59556033-G-A.
Other names: c.595G>A, p.Val199Ile (NM_018488.3); short protein forms V199I.
Identifiers: ClinVar variation 890661 (VCV000890661.10), dbSNP rs151058527, ClinGen allele CA8689864.
Genomic context (GRCh38, chr17:61,478,672, plus strand): 5'-ACCCTTCTCTTCCAGATCATCCTCAACTCTATGCACAAGTACCAGCCGCGGCTCCACATC[G>A]TTAAGGCTGATGAGAACAATGCTTTCGGCTCCAAAAACACTGCTTTCTGCACCCACGTGT-3'
Protein context (NP_001308049.1, residues 189-209): MHKYQPRLHI[Val199Ile]KADENNAFGS

ClinVar aggregate classification (germline): Conflicting classifications of pathogenicity. Review status: criteria provided, conflicting classifications (1 of 4 stars). 4 submissions from 4 submitters: Uncertain significance (1); Benign (1); Likely benign (2). Last evaluated 2025-12-03.

Conditions:
Inborn genetic diseases. Identifiers: MedGen C0950123, MeSH D030342.
Coxopodopatellar syndrome. Also called: ISCHIOCOXOPODOPATELLAR SYNDROME WITH OR WITHOUT PULMONARY ARTERIAL HYPERTENSION; Congenital coxa vara, patella aplasia and tarsal synostosis; Small patella syndrome; ISCHIOCOXOPODOPATELLAR SYNDROME; PATELLA APLASIA, COXA VARA, AND TARSAL SYNOSTOSIS; ISCHIOPATELLAR DYSPLASIA. Identifiers: Orphanet 1509, MedGen C1840061, MONDO:0007841, OMIM 147891.

Allele frequency attached by ClinVar (database versions not stated): ExAC 0.00012; gnomAD exomes 0.00012 and 0.00035; TOPMed 0.00014; gnomAD 0.00018 and 0.00020; ESP Exome Variant Server 0.00054.
gnomAD v4.1: 531 of 1,614,062 alleles (0.033%); highest among the groups gnomAD compares: Non-Finnish European, 0.043%; 2 homozygotes.

Submissions (4):

Labcorp Genetics (formerly Invitae), Labcorp
Classification: Likely benign. Last evaluated: 2025-12-03. Review status: criteria provided, single submitter. Criteria: Invitae Variant Classification Sherloc (09022015). Collection method: clinical testing. Allele origin: germline.

Ambry Genetics
Classification: Uncertain significance for Inborn genetic diseases. Last evaluated: 2024-09-04. Review status: criteria provided, single submitter. Criteria: Ambry Variant Classification Scheme 2023. Collection method: clinical testing. Allele origin: germline.

Blueprint Genetics
Classification: Likely benign. Last evaluated: 2022-01-13. Review status: criteria provided, single submitter. Criteria: ACMG Guidelines, 2015. Collection method: clinical testing. Allele origin: germline.

Illumina Laboratory Services, Illumina
Classification: Benign for Coxopodopatellar syndrome. Last evaluated: 2018-01-13. Review status: criteria provided, single submitter. Criteria: ICSL Variant Classification Criteria 13 December 2019. Collection method: clinical testing. Allele origin: germline.
Comment: This variant was observed in the ICSL laboratory as part of a predisposition screen in an ostensibly healthy population. It had not been previously curated by ICSL or reported in the Human Gene Mutation Database (HGMD: prior to June 1st, 2018), and was therefore a candidate for classification through an automated scoring system. Utilizing variant allele frequency, disease prevalence and penetrance estimates, and inheritance mode, an automated score was calculated to assess if this variant is too frequent to cause the disease. Based on the score and internal cut-off values, a variant classified as benign is not then subjected to further curation. The score for this variant resulted in a classification of benign for this disease.